The following is an entry in ClinVar:

NM_000524.4(HTR1A):c.730G>A (p.Ala244Thr)

Gene: HTR1A (5-hydroxytryptamine receptor 1A; minus strand). Cytogenetic location: 5q12.3.
Variant type: single nucleotide variant.
Coding change: c.730G>A on transcript NM_000524.4 (MANE Select); coding-DNA position 730, G replaced by A.
Protein change: p.Ala244Thr; replaces alanine 244 with threonine.
Molecular consequence: missense variant.
Genome position (GRCh38, 1-based): chr5:63,960,990, C>T on the plus strand (G>A on the coding strand, the complement: HTR1A is on the minus strand). VCF-style: chr5-63960990-C-T. GRCh37 (hg19) VCF-style: chr5-63256817-C-T.
Other names: short protein forms A244T.
Identifiers: ClinVar variation 3285021 (VCV003285021.2).
Genomic context (GRCh38, chr5:63,960,990, plus strand): 5'-TCCAGTTCCTGCTCCCCGACTCTCCATTCACACTCTTCTTGGGCTGCGGGGCGGGAGATG[C>T]TCCATGGCGGGTGTCCGCTCCGGTCTTCTCCACCTTTTTGACCGTCTTGCGGATGCGGAA-3'
Protein context (NP_000515.2, residues 234-254): EKTGADTRHG[Ala244Thr]SPAPQPKKSV

ClinVar aggregate classification (germline): Conflicting classifications of pathogenicity. Review status: criteria provided, conflicting classifications (1 of 4 stars). 2 submissions from 2 submitters: Uncertain significance (1); Likely benign (1). Last evaluated 2026-01-05.

Submissions (2):

Women's Health and Genetics/Laboratory Corporation of America, LabCorp
Classification: Uncertain significance. Last evaluated: 2026-01-05. Review status: criteria provided, single submitter. Criteria: LabCorp Variant Classification Summary - May 2015. Collection method: clinical testing. Allele origin: germline.
Comment: Variant summary: HTR1A c.730G>A (p.Ala244Thr) results in a non-conservative amino acid change in the encoded protein sequence. Algorithms developed to predict the effect of missense changes on protein structure and function are either unavailable or do not agree on the potential impact of this missense change. The variant allele was found at a frequency of 2.4e-05 in 250496 control chromosomes. The available data on variant occurrences in the general population are insufficient to allow any conclusion about variant significance. To our knowledge, no occurrence of c.730G>A in individuals affected with HTR1A-related conditions and no experimental evidence demonstrating its impact on protein function have been reported. ClinVar contains an entry for this variant (Variation ID: 3285021). Based on the evidence outlined above, the variant was classified as uncertain significance.

Ambry Genetics
Classification: Likely benign. Last evaluated: 2024-05-01. Review status: criteria provided, single submitter. Criteria: Ambry Variant Classification Scheme 2023. Collection method: clinical testing. Allele origin: germline.